The following is an entry in ClinVar:

NM_032609.3(COX4I2):c.328TTC[2] (p.Phe112del)

Gene: COX4I2 (cytochrome c oxidase subunit 4I2; plus strand). Cytogenetic location: 20q11.21.
Variant type: Microsatellite.
Coding change: c.328TTC[2] on transcript NM_032609.3 (MANE Select); two copies in a row of the 3-base unit TTC starting at c.328; the reference has three copies in a row; one copy, 3 bases deleted.
Protein change: p.Phe112del; deletes phenylalanine 112.
Molecular consequence: inframe deletion.
Genome position (GRCh38, 1-based): chr20:31,643,490-31,643,492, TTC deleted; deleting any 3 consecutive bases within chr20:31,643,482-31,643,492 gives the same sequence; the position shown is the placement nearest the transcript's 3' end. VCF-style (leftmost placement, unchanged base first): chr20-31643481-GTCT-G. GRCh37 (hg19) VCF-style: chr20-30231284-GTCT-G.
Other names: short protein forms F112del.
Identifiers: ClinVar variation 4747122 (VCV004747122.1).
Genomic context (GRCh38, chr20:31,643,481, plus strand): 5'-AATGAGACCTTTGCGGAGATGAACCGTCGCTCCAATGAGTGGAAGACAGTGATGGGTTGT[GTCT>G]TCTTCTTCATTGGATTCGCAGCTCTGGTGATTTGGTGGCAGCGGGTCTACGGTGAGTGGC-3'

ClinVar aggregate classification (germline): Uncertain significance (1 of 4 stars; one submission).

Submission:

Labcorp Genetics (formerly Invitae), Labcorp
Classification: Uncertain significance. Last evaluated: 2025-08-01. Review status: criteria provided, single submitter. Criteria: Invitae Variant Classification Sherloc (09022015). Collection method: clinical testing. Allele origin: germline.
Comment: This variant, c.334_336del, results in the deletion of 1 amino acid(s) of the COX4I2 protein (p.Phe112del), but otherwise preserves the integrity of the reading frame. This variant is present in population databases (rs750113081, gnomAD 0.1%), and has an allele count higher than expected for a pathogenic variant. This variant has not been reported in the literature in individuals affected with COX4I2-related conditions. Experimental studies and prediction algorithms are not available or were not evaluated, and the functional significance of this variant is currently unknown. In summary, the available evidence is currently insufficient to determine the role of this variant in disease. Therefore, it has been classified as a Variant of Uncertain Significance.